The following is an entry in ClinVar:

ClinVar aggregate classification (germline): Likely benign (1 of 4 stars; one submission).

Allele frequency attached by ClinVar (database versions not stated): gnomAD exomes below 0.00001.
gnomAD v4.1: 1 of 1,613,260 alleles (0.000062%); highest among the groups gnomAD compares: Non-Finnish European, 0.000085%; no homozygotes.

Submission:

CeGaT Center for Human Genetics Tuebingen
Classification: Likely benign. Last evaluated: 2024-06-01. Review status: criteria provided, single submitter. Criteria: CeGaT Center For Human Genetics Tuebingen Variant Classification Criteria Version 2. Collection method: clinical testing. Allele origin: germline. Affected: yes. Observed: 1 variant allele.
Comment: TRAF7: PM2:Supporting, BP4, BP7

NM_032271.3(TRAF7):c.1314T>C (p.His438=)

Gene: TRAF7 (TNF receptor associated factor 7; plus strand). Cytogenetic location: 16p13.3.
Variant type: single nucleotide variant.
Coding change: c.1314T>C on transcript NM_032271.3 (MANE Select); coding-DNA position 1314, T replaced by C.
Protein change: p.His438=; no amino-acid change (histidine 438 retained).
Molecular consequence: synonymous variant.
Genome position (GRCh38, 1-based): chr16:2,174,301, T>C. VCF-style: chr16-2174301-T-C. GRCh37 (hg19) VCF-style: chr16-2224302-T-C.
Identifiers: ClinVar variation 3250867 (VCV003250867.18), dbSNP rs2545008142.
Genomic context (GRCh38, chr16:2,174,301, plus strand): 5'-GTCTCTGCAGGTGTGGGACACATGTACCACCTACAAGTGTCAGAAGACACTGGAGGGCCA[T>C]GATGGCATCGTGCTGGCTCTCTGCATCCAGGGGTGAGTCCAGGCACATGTGTGATCAGTG-3'
Protein context (NP_115647.2, residues 428-448): TYKCQKTLEG[His438=]DGIVLALCIQ